The following is an entry in ClinVar:

NM_080669.6(SLC46A1):c.792_802dup (p.Ala268delinsGlyAsnIleTer)

Gene: SLC46A1 (solute carrier family 46 member 1; minus strand). Cytogenetic location: 17q11.2.
Variant type: Duplication.
Coding change: c.792_802dup on transcript NM_080669.6 (MANE Select); coding-DNA positions 792 to 802, 11 bases duplicated (GAAACATTTAG).
Protein change: p.Ala268delinsGlyAsnIleTer.
Molecular consequence: nonsense.
Genome position (GRCh38, 1-based): chr17:28,404,895-28,404,905, CTAAATGTTTC duplicated on the plus strand (GAAACATTTAG on the coding strand, the reverse complement: SLC46A1 is on the minus strand); duplicating any 11 consecutive bases within chr17:28,404,895-28,404,907 gives the same sequence; the c. name uses the placement nearest the transcript's 3' end. VCF-style (leftmost placement, unchanged base first): chr17-28404894-G-GCTAAATGTTTC. GRCh37 (hg19) VCF-style: chr17-26731912-G-GCTAAATGTTTC.
Other names: c.792_802dup, p.Ala268delinsGlyAsnIleTer (NM_001242366.3).
Identifiers: ClinVar variation 2769149 (VCV002769149.3), dbSNP rs2508288834, ClinGen allele CA2636823889.

ClinVar aggregate classification (germline): Pathogenic (1 of 4 stars; one submission).

Submission:

Labcorp Genetics (formerly Invitae), Labcorp
Classification: Pathogenic. Last evaluated: 2023-10-16. Review status: criteria provided, single submitter. Criteria: Invitae Variant Classification Sherloc (09022015). Collection method: clinical testing. Allele origin: germline.
Comment: This sequence change creates a premature translational stop signal (p.Ala268Glyfs*4) in the SLC46A1 gene. It is expected to result in an absent or disrupted protein product. Loss-of-function variants in SLC46A1 are known to be pathogenic (PMID: 17446347, 21333572). This variant is not present in population databases (gnomAD no frequency). This variant has not been reported in the literature in individuals affected with SLC46A1-related conditions. For these reasons, this variant has been classified as Pathogenic.

Literature cited by the submitters: PubMed 17446347; PubMed 21333572.